The following is an entry in ClinVar:

NM_000388.4(CASR):c.233T>C (p.Ile78Thr)

Gene: CASR (calcium sensing receptor; plus strand). Cytogenetic location: 3q21.1.
Variant type: single nucleotide variant.
Coding change: c.233T>C on transcript NM_000388.4 (MANE Select); coding-DNA position 233, T replaced by C.
Protein change: p.Ile78Thr; replaces isoleucine 78 with threonine.
Molecular consequence: missense variant.
Genome position (GRCh38, 1-based): chr3:122,257,128, T>C. VCF-style: chr3-122257128-T-C. GRCh37 (hg19) VCF-style: chr3-121975975-T-C.
Other names: c.233T>C, p.Ile78Thr (NM_001178065.2); short protein forms I78T.
Identifiers: ClinVar variation 1039774 (VCV001039774.10), dbSNP rs2074562667, ClinGen allele CA354362447.

ClinVar aggregate classification (germline): Uncertain significance. Review status: criteria provided, multiple submitters, no conflicts (2 of 4 stars). 2 submissions from 2 submitters: Uncertain significance (2). Last evaluated 2025-11-10.

Conditions:
Autosomal dominant hypocalcemia 1 (HYPOC1). Also called: HYPOCALCEMIA, FAMILIAL. Identifiers: MedGen C3715128, MONDO:0011013, OMIM 601198.
Familial hypocalciuric hypercalcemia (FHH). Also called: Familial benign hypercalcemia. Identifiers: Orphanet 405, MedGen C1809471, MONDO:0018458.

Allele frequency attached by ClinVar (database versions not stated): gnomAD exomes below 0.00001.
gnomAD v4.1: 1 of 1,614,136 alleles (0.000062%); highest among the groups gnomAD compares: South Asian, 0.0011%; no homozygotes.

Submissions (2):

Labcorp Genetics (formerly Invitae), Labcorp
Classification: Uncertain significance for Familial hypocalciuric hypercalcemia; Autosomal dominant hypocalcemia 1. Last evaluated: 2025-11-10. Review status: criteria provided, single submitter. Criteria: Invitae Variant Classification Sherloc (09022015). Collection method: clinical testing. Allele origin: germline.
Comment: This sequence change replaces isoleucine, which is neutral and non-polar, with threonine, which is neutral and polar, at codon 78 of the CASR protein (p.Ile78Thr). This variant is not present in population databases (gnomAD no frequency). This variant has not been reported in the literature in individuals affected with CASR-related conditions. ClinVar contains an entry for this variant (Variation ID: 1039774). An algorithm developed to predict the effect of missense changes on protein structure and function (PolyPhen-2) suggests that this variant is likely to be disruptive. In summary, the available evidence is currently insufficient to determine the role of this variant in disease. Therefore, it has been classified as a Variant of Uncertain Significance.

Women's Health and Genetics/Laboratory Corporation of America, LabCorp
Classification: Uncertain significance. Last evaluated: 2025-10-22. Review status: criteria provided, single submitter. Criteria: LabCorp Variant Classification Summary - May 2015. Collection method: clinical testing. Allele origin: germline.
Comment: Variant summary: CASR c.233T>C (p.Ile78Thr) results in a non-conservative amino acid change in the encoded protein sequence. Algorithms developed to predict the effect of missense changes on protein structure and function all suggest that this variant is likely to be disruptive. The variant was absent in 251350 control chromosomes. The available data on variant occurrences in the general population are insufficient to allow any conclusion about variant significance. To our knowledge, no occurrence of c.233T>C in individuals affected with CASR-related conditions and no experimental evidence demonstrating its impact on protein function have been reported. ClinVar contains an entry for this variant (Variation ID: 1039774). Based on the evidence outlined above, the variant was classified as uncertain significance.